The following is an entry in ClinVar:

ClinVar aggregate classification (germline): Uncertain significance (1 of 4 stars; one submission).

Allele frequency attached by ClinVar (database versions not stated): TOPMed 0.00002; ExAC 0.00002; gnomAD 0.00002; gnomAD exomes 0.00002.
gnomAD v4.1: 28 of 1,610,576 alleles (0.0017%); highest among the groups gnomAD compares: East Asian, 0.031%; no homozygotes.

Submissions (2):

Labcorp Genetics (formerly Invitae), Labcorp
Classification: Uncertain significance. Last evaluated: 2022-02-01. Review status: criteria provided, single submitter. Criteria: Invitae Variant Classification Sherloc (09022015). Collection method: clinical testing. Allele origin: germline.
Comment: This sequence change replaces glutamic acid, which is acidic and polar, with lysine, which is basic and polar, at codon 1953 of the MYO18B protein (p.Glu1953Lys). This variant is present in population databases (rs374817192, gnomAD 0.02%). This variant has not been reported in the literature in individuals affected with MYO18B-related conditions. Algorithms developed to predict the effect of missense changes on protein structure and function are either unavailable or do not agree on the potential impact of this missense change (SIFT: "Not Available"; PolyPhen-2: "Benign"; Align-GVGD: "Not Available"). In summary, the available evidence is currently insufficient to determine the role of this variant in disease. Therefore, it has been classified as a Variant of Uncertain Significance.

Dr. Peter K. Rogan Lab, Western University
No classification provided (evidence only). Condition: Squamous cell carcinoma of the head and neck. Review status: no classification provided. Collection method: in vitro. Allele origin: not applicable. Functional consequence: retained intron. Not counted in ClinVar's aggregate classification.

NM_032608.7(MYO18B):c.5857G>A (p.Glu1953Lys)

Gene: MYO18B (myosin XVIIIB; plus strand). Cytogenetic location: 22q12.1.
Variant type: single nucleotide variant.
Coding change: c.5857G>A on transcript NM_032608.7 (MANE Select); coding-DNA position 5857, G replaced by A.
Protein change: p.Glu1953Lys; replaces glutamic acid 1953 with lysine.
Molecular consequence: missense variant.
Genome position (GRCh38, 1-based): chr22:25,952,310, G>A. VCF-style: chr22-25952310-G-A. GRCh37 (hg19) VCF-style: chr22-26348276-G-A.
Other names: c.5860G>A, p.Glu1954Lys (NM_001318245.2); short protein forms E1953K, E1954K.
Identifiers: ClinVar variation 2181972 (VCV002181972.2), dbSNP rs374817192, ClinGen allele CA10161313.